The following is an entry in ClinVar:

NM_000257.4(MYH7):c.487C>T (p.Gln163Ter)

Gene: MYH7 (myosin heavy chain 7; minus strand). Cytogenetic location: 14q11.2.
Variant type: single nucleotide variant.
Coding change: c.487C>T on transcript NM_000257.4 (MANE Select); coding-DNA position 487, C replaced by T.
Protein change: p.Gln163Ter; replaces glutamine 163 with a stop codon.
Molecular consequence: nonsense.
Genome position (GRCh38, 1-based): chr14:23,432,654, G>A on the plus strand (C>T on the coding strand, the complement: MYH7 is on the minus strand). VCF-style: chr14-23432654-G-A. GRCh37 (hg19) VCF-style: chr14-23901863-G-A.
Other names: short protein forms Q163*.
Identifiers: ClinVar variation 179639 (VCV000179639.13), dbSNP rs727505011, ClinGen allele CA015429.

ClinVar aggregate classification (germline): Uncertain significance. Review status: criteria provided, multiple submitters, no conflicts (2 of 4 stars). 5 submissions from 5 submitters: Uncertain significance (5). Last evaluated 2025-11-25.

Conditions:
Cardiovascular phenotype. Identifiers: MedGen CN230736.
Cardiomyopathy (CMYO). Also called: Cardiomyopathies. Identifiers: Orphanet 167848, MedGen C0878544, MONDO:0004994, HP:0001638. Inheritance: Various modes of inheritance.
Hypertrophic cardiomyopathy. Also called: HYPERTROPHIC MYOCARDIOPATHY. Identifiers: Orphanet 217569, MedGen C0007194, MeSH D002312, MONDO:0005045, HP:0001639.

Submissions (5):

Labcorp Genetics (formerly Invitae), Labcorp
Classification: Uncertain significance for Hypertrophic cardiomyopathy. Last evaluated: 2025-11-25. Review status: criteria provided, single submitter. Criteria: Invitae Variant Classification Sherloc (09022015). Collection method: clinical testing. Allele origin: germline.
Comment: This sequence change creates a premature translational stop signal (p.Gln163*) in the MYH7 gene. It is expected to result in an absent or disrupted protein product. However, the current clinical and genetic evidence is not sufficient to establish whether loss-of-function variants in MYH7 cause disease. This variant is not present in population databases (gnomAD no frequency). This variant has not been reported in the literature in individuals affected with MYH7-related conditions. ClinVar contains an entry for this variant (Variation ID: 179639). In summary, the available evidence is currently insufficient to determine the role of this variant in disease. Therefore, it has been classified as a Variant of Uncertain Significance.

Color Diagnostics, LLC DBA Color Health
Classification: Uncertain significance for Cardiomyopathy. Last evaluated: 2024-12-17. Review status: criteria provided, single submitter. Criteria: ACMG Guidelines, 2015. Collection method: clinical testing. Allele origin: germline.
Comment: This variant changes 1 nucleotide in exon 5 of the MYH7 gene, creating a premature translation stop signal. This variant is expected to result in an absent or non-functional protein product. To our knowledge, this variant has not been reported in individuals affected with MYH7-related disorders in the literature. This variant has not been identified in the general population by the Genome Aggregation Database (gnomAD). Clinical relevance of loss-of-function MYH7 truncation variants in autosomal dominant cardiovascular disorders is not clearly established. The available evidence is insufficient to determine the role of this variant in disease conclusively. Therefore, this variant is classified as a Variant of Uncertain Significance.

All of Us Research Program, National Institutes of Health
Classification: Uncertain significance for Cardiomyopathy. Last evaluated: 2023-05-04. Review status: criteria provided, single submitter. Criteria: ACMG Guidelines, 2015. Collection method: clinical testing. Allele origin: germline. Inheritance: Autosomal dominant inheritance. Observed: 1 variant allele, 1 heterozygote.
Comment: This variant changes 1 nucleotide in exon 5 of the MYH7 gene, creating a premature translation stop signal. This variant is expected to result in an absent or non-functional protein product. To our knowledge, this variant has not been reported in individuals affected with cardiovascular disorders in the literature. This variant has not been identified in the general population by the Genome Aggregation Database (gnomAD). Clinical relevance of loss-of-function MYH7 truncation variants in autosomal dominant cardiovascular disorders is not clearly established. The available evidence is insufficient to determine the role of this variant in disease conclusively. Therefore, this variant is classified as a Variant of Uncertain Significance.

This study involves interpretation of variants in research participants for the purpose of population health screening. Participant phenotype was not available at the time of variant classification. Additional details can be found in publication PMID: 35346344, PMCID: PMC8962531

Ambry Genetics
Classification: Uncertain significance for Cardiovascular phenotype. Last evaluated: 2023-02-17. Review status: criteria provided, single submitter. Criteria: Ambry Variant Classification Scheme 2023. Collection method: clinical testing. Allele origin: germline.
Comment: The p.Q163* variant (also known as c.487C>T), located in coding exon 3 of the MYH7 gene, results from a C to T substitution at nucleotide position 487. This changes the amino acid from a glutamine to a stop codon within coding exon 3. This alteration is expected to result in protein truncation or nonsense-mediated mRNA decay. However, loss of function of MYH7 has not been established as a mechanism of disease. Since supporting evidence is limited at this time, the clinical significance of this alteration remains unclear.

Laboratory for Molecular Medicine, Mass General Brigham Personalized Medicine
Classification: Uncertain significance. Last evaluated: 2014-04-04. Review status: criteria provided, single submitter. Criteria: LMM Criteria. Collection method: clinical testing. Allele origin: germline. Observed: 1 variant allele.
Comment: Variant classified as Uncertain Significance - Favor Pathogenic. The Gln163X var iant in MYH7 has not been reported in individuals with cardiomyopathy or in larg e population studies. This nonsense variant leads to a premature termination cod on at position 163, which is predicted to lead to a truncated or absent protein. It should be noted that loss of function variants in the MYH7 gene are very rar e and therefore, their phenotypic spectrum is unknown. In summary, this variant severely impacts the protein but additional data is needed to determine its clin ical significance.